The following is an entry in ClinVar:

ClinVar aggregate classification (germline): Uncertain significance (1 of 4 stars; one submission).

gnomAD v4.1: 1 of 1,568,960 alleles (0.000064%); highest among the groups gnomAD compares: South Asian, 0.0012%; no homozygotes.

Submission:

GeneDx
Classification: Uncertain significance. Last evaluated: 2025-03-03. Review status: criteria provided, single submitter. Criteria: GeneDx Variant Classification Process June 2021. Collection method: clinical testing. Allele origin: germline. Affected: yes.
Comment: In silico analysis indicates that this missense variant does not alter protein structure/function; Has not been previously published as pathogenic or benign to our knowledge

NM_001174147.2(LMX1B):c.14C>G (p.Thr5Arg)

Gene: LMX1B (LIM homeobox transcription factor 1 beta; plus strand). Cytogenetic location: 9q33.3.
Variant type: single nucleotide variant.
Coding change: c.14C>G on transcript NM_001174147.2 (MANE Select); coding-DNA position 14, C replaced by G.
Protein change: p.Thr5Arg; replaces threonine 5 with arginine.
Molecular consequence: missense variant.
Genome position (GRCh38, 1-based): chr9:126,614,463, C>G. VCF-style: chr9-126614463-C-G. GRCh37 (hg19) VCF-style: chr9-129376742-C-G.
Other names: c.14C>G, p.Thr5Arg (NM_001174146.2, NM_002316.4); short protein forms T5R.
Identifiers: ClinVar variation 4082740 (VCV004082740.1).